The following is an entry in ClinVar:

NM_024514.5(CYP2R1):c.421G>A (p.Val141Ile)

Genes: CYP2R1 (cytochrome P450 family 2 subfamily R member 1; minus strand), PDE3B (phosphodiesterase 3B; plus strand). Cytogenetic location: 11p15.2.
Variant type: single nucleotide variant.
Coding change: c.421G>A on transcript NM_024514.5 (MANE Select); coding-DNA position 421, G replaced by A.
Protein change: p.Val141Ile; replaces valine 141 with isoleucine.
Molecular consequence: missense variant.
Genome position (GRCh38, 1-based): chr11:14,880,715, C>T on the plus strand (G>A on the coding strand, the complement: CYP2R1 is on the minus strand). VCF-style: chr11-14880715-C-T. GRCh37 (hg19) VCF-style: chr11-14902261-C-T.
Other names: c.76G>A, p.Val26Ile (NM_001377214.1, NM_001377215.1, NM_001377216.1 and 1 more transcripts); c.259G>A, p.Val87Ile (NM_001377217.1); short protein forms V87I, V141I, V26I.
Identifiers: ClinVar variation 957411 (VCV000957411.10), dbSNP rs782437679, ClinGen allele CA379749549.

ClinVar aggregate classification (germline): Uncertain significance. Review status: criteria provided, multiple submitters, no conflicts (2 of 4 stars). 4 submissions from 4 submitters: Uncertain significance (4). Last evaluated 2025-10-27.

Conditions:
Vitamin D hydroxylation-deficient rickets, type 1B. Also called: Rickets due to Defect in Vitamin D 25-hydroxylation; PSEUDOVITAMIN D3 DEFICIENCY RICKETS DUE TO 25-HYDROXYLASE DEFICIENCY; VITAMIN D-DEPENDENT RICKETS, TYPE 1B. Identifiers: Orphanet 289157, MedGen C1838657, MONDO:0010810, OMIM 600081.

Allele frequency attached by ClinVar (database versions not stated): gnomAD 0.00003 and 0.00004; TOPMed 0.00003.
gnomAD v4.1: 29 of 1,600,682 alleles (0.0018%); highest among the groups gnomAD compares: Admixed American, 0.0035%; no homozygotes.

Submissions (4):

Women's Health and Genetics/Laboratory Corporation of America, LabCorp
Classification: Uncertain significance. Last evaluated: 2025-10-27. Review status: criteria provided, single submitter. Criteria: LabCorp Variant Classification Summary - May 2015. Collection method: clinical testing. Allele origin: germline.
Comment: Variant summary: CYP2R1 c.421G>A (p.Val141Ile) results in a conservative amino acid change in the encoded protein sequence. Algorithms developed to predict the effect of missense changes on protein structure and function are either unavailable or do not agree on the potential impact of this missense change. The variant was absent in 238404 control chromosomes. The available data on variant occurrences in the general population are insufficient to allow any conclusion about variant significance. c.421G>A has been observed in individual(s) affected with Hypophosphatemia (Rush_2022). These report(s) do not provide unequivocal conclusions about association of the variant with Vitamin D Hydroxylation-Deficient Rickets, Type 1B. To our knowledge, no experimental evidence demonstrating an impact on protein function has been reported. The following publication has been ascertained in the context of this evaluation (PMID: 34633109). ClinVar contains an entry for this variant (Variation ID: 957411). Based on the evidence outlined above, the variant was classified as uncertain significance.

Ambry Genetics
Classification: Uncertain significance. Last evaluated: 2024-07-10. Review status: criteria provided, single submitter. Criteria: Ambry Variant Classification Scheme 2023. Collection method: clinical testing. Allele origin: germline.

Fulgent Genetics
Classification: Uncertain significance for Vitamin D hydroxylation-deficient rickets, type 1B. Last evaluated: 2022-02-04. Review status: criteria provided, single submitter. Criteria: ACMG Guidelines, 2015. Collection method: clinical testing. Allele origin: unknown.

Labcorp Genetics (formerly Invitae), Labcorp
Classification: Uncertain significance. Last evaluated: 2021-08-20. Review status: criteria provided, single submitter. Criteria: Invitae Variant Classification Sherloc (09022015). Collection method: clinical testing. Allele origin: germline.
Comment: This sequence change replaces valine with isoleucine at codon 141 of the CYP2R1 protein (p.Val141Ile). The valine residue is highly conserved and there is a small physicochemical difference between valine and isoleucine. This variant is not present in population databases (ExAC no frequency). This variant has not been reported in the literature in individuals affected with CYP2R1-related conditions. Algorithms developed to predict the effect of missense changes on protein structure and function (SIFT, PolyPhen-2, Align-GVGD) all suggest that this variant is likely to be tolerated. In summary, the available evidence is currently insufficient to determine the role of this variant in disease. Therefore, it has been classified as a Variant of Uncertain Significance.

Literature cited by the submitters: PubMed 34633109 (cited by Women's Health and Genetics/Laboratory Corporation of America, LabCorp).